The following is an entry in ClinVar:

NM_144631.6(ZNF513):c.1175G>A (p.Arg392His)

Gene: ZNF513 (zinc finger protein 513; minus strand). Cytogenetic location: 2p23.3.
Variant type: single nucleotide variant.
Coding change: c.1175G>A on transcript NM_144631.6 (MANE Select); coding-DNA position 1175, G replaced by A.
Protein change: p.Arg392His; replaces arginine 392 with histidine.
Molecular consequence: missense variant.
Genome position (GRCh38, 1-based): chr2:27,377,996, C>T on the plus strand (G>A on the coding strand, the complement: ZNF513 is on the minus strand). VCF-style: chr2-27377996-C-T. GRCh37 (hg19) VCF-style: chr2-27600863-C-T.
Other names: c.989G>A, p.Arg330His (NM_001201459.2); short protein forms R392H, R330H.
Identifiers: ClinVar variation 1939654 (VCV001939654.5), dbSNP rs1173074560, ClinGen allele CA346215027.

ClinVar aggregate classification (germline): Uncertain significance (1 of 4 stars; one submission).

Allele frequency attached by ClinVar (database versions not stated): gnomAD exomes below 0.00001; gnomAD 0.00001.

Submission:

Labcorp Genetics (formerly Invitae), Labcorp
Classification: Uncertain significance. Last evaluated: 2023-08-04. Review status: criteria provided, single submitter. Criteria: Invitae Variant Classification Sherloc (09022015). Collection method: clinical testing. Allele origin: germline.
Comment: In summary, the available evidence is currently insufficient to determine the role of this variant in disease. Therefore, it has been classified as a Variant of Uncertain Significance. An algorithm developed to predict the effect of missense changes on protein structure and function (PolyPhen-2) suggests that this variant is likely to be disruptive. ClinVar contains an entry for this variant (Variation ID: 1939654). This variant has not been reported in the literature in individuals affected with ZNF513-related conditions. This variant is present in population databases (no rsID available, gnomAD 0.003%). This sequence change replaces arginine, which is basic and polar, with histidine, which is basic and polar, at codon 392 of the ZNF513 protein (p.Arg392His).